The following is an entry in ClinVar:

ClinVar aggregate classification (germline): Likely benign (1 of 4 stars; one submission).

Submission:

CeGaT Center for Human Genetics Tuebingen
Classification: Likely benign. Last evaluated: 2023-01-01. Review status: criteria provided, single submitter. Criteria: CeGaT Center For Human Genetics Tuebingen Variant Classification Criteria Version 2. Collection method: clinical testing. Allele origin: germline. Affected: yes. Observed: 1 variant allele.
Comment: ZNF626: PM2:Supporting, BP4, BP7

NM_001076675.3(ZNF626):c.912G>A (p.Lys304=)

Gene: ZNF626 (zinc finger protein 626; minus strand). Cytogenetic location: 19p12.
Variant type: single nucleotide variant.
Coding change: c.912G>A on transcript NM_001076675.3 (MANE Select); coding-DNA position 912, G replaced by A.
Protein change: p.Lys304=; no amino-acid change (lysine 304 retained).
Molecular consequence: synonymous variant.
Genome position (GRCh38, 1-based): chr19:20,624,965, C>T on the plus strand (G>A on the coding strand, the complement: ZNF626 is on the minus strand). VCF-style: chr19-20624965-C-T. GRCh37 (hg19) VCF-style: chr19-20807771-C-T.
Other names: c.912G>A, p.Lys304= (NM_001412412.1).
Identifiers: ClinVar variation 2649619 (VCV002649619.24), dbSNP rs1219753789, ClinGen allele CA506605115.